The following is an entry in ClinVar:

NM_153006.3(NAGS):c.1057G>T (p.Ala353Ser)

Gene: NAGS (N-acetylglutamate synthase; plus strand). Cytogenetic location: 17q21.31.
Variant type: single nucleotide variant.
Coding change: c.1057G>T on transcript NM_153006.3 (MANE Select); coding-DNA position 1057, G replaced by T.
Protein change: p.Ala353Ser; replaces alanine 353 with serine.
Molecular consequence: missense variant.
Genome position (GRCh38, 1-based): chr17:44,006,670, G>T. VCF-style: chr17-44006670-G-T. GRCh37 (hg19) VCF-style: chr17-42084038-G-T.
Other names: short protein forms A353S.
Identifiers: ClinVar variation 1021290 (VCV001021290.11), dbSNP rs1320094253, ClinGen allele CA399726465.

ClinVar aggregate classification (germline): Uncertain significance. Review status: criteria provided, single submitter (1 of 4 stars). 2 submissions from 2 submitters: Uncertain significance (1). 1 of the submissions does not count toward it. Last evaluated 2025-06-02.

Conditions:
Hyperammonemia, type III (NAGSD). Also called: Hyperammonemia due to N-acetylglutamate synthase deficiency. Identifiers: Orphanet 927, MedGen C0268543, MONDO:0009377, OMIM 237310.

gnomAD v4.1: 4 of 1,611,524 alleles (0.00025%); highest among the groups gnomAD compares: East Asian, 0.0022%; no homozygotes.

Submissions (2):

Labcorp Genetics (formerly Invitae), Labcorp
Classification: Uncertain significance for Hyperammonemia, type III. Last evaluated: 2025-06-02. Review status: criteria provided, single submitter. Criteria: Invitae Variant Classification Sherloc (09022015). Collection method: clinical testing. Allele origin: germline.
Comment: This sequence change replaces alanine, which is neutral and non-polar, with serine, which is neutral and polar, at codon 353 of the NAGS protein (p.Ala353Ser). This variant is present in population databases (no rsID available, gnomAD 0.006%). This variant has not been reported in the literature in individuals affected with NAGS-related conditions. ClinVar contains an entry for this variant (Variation ID: 1021290). Invitae Evidence Modeling of protein sequence and biophysical properties (such as structural, functional, and spatial information, amino acid conservation, physicochemical variation, residue mobility, and thermodynamic stability) indicates that this missense variant is not expected to disrupt NAGS protein function with a negative predictive value of 80%. In summary, the available evidence is currently insufficient to determine the role of this variant in disease. Therefore, it has been classified as a Variant of Uncertain Significance.

Natera, Inc.
Classification: Uncertain significance for Hyperammonemia type III. Last evaluated: 2021-01-07. Review status: no assertion criteria provided. Collection method: clinical testing. Allele origin: germline. Not counted in ClinVar's aggregate classification.